The following is an entry in ClinVar:

NM_003587.5(DHX16):c.2161C>T (p.Gln721Ter)

Gene: DHX16 (DEAH-box helicase 16; minus strand). Cytogenetic location: 6p21.33.
Variant type: single nucleotide variant.
Coding change: c.2161C>T on transcript NM_003587.5 (MANE Select); coding-DNA position 2161, C replaced by T.
Protein change: p.Gln721Ter; replaces glutamine 721 with a stop codon.
Molecular consequence: nonsense.
Genome position (GRCh38, 1-based): chr6:30,656,747, G>A on the plus strand (C>T on the coding strand, the complement: DHX16 is on the minus strand). VCF-style: chr6-30656747-G-A. GRCh37 (hg19) VCF-style: chr6-30624524-G-A.
Other names: c.1981C>T, p.Gln661Ter (NM_001164239.2); c.718C>T, p.Gln240Ter (NM_001363515.2); short protein forms Q240*, Q661*, Q721*.
Identifiers: ClinVar variation 4282047 (VCV004282047.1).

ClinVar aggregate classification (germline): Uncertain significance (1 of 4 stars; one submission).

Submission:

GeneDx
Classification: Uncertain significance. Last evaluated: 2025-04-10. Review status: criteria provided, single submitter. Criteria: GeneDx Variant Classification Process June 2021. Collection method: clinical testing. Allele origin: germline. Affected: yes.
Comment: Not observed at significant frequency in large population cohorts (gnomAD); Has not been previously published as pathogenic or benign to our knowledge; Nonsense variant predicted to result in protein truncation or nonsense mediated decay in a gene for which loss-of-function is not an established mechanism of disease